The following is an entry in ClinVar:

ClinVar aggregate classification (germline): Benign. Review status: criteria provided, multiple submitters, no conflicts (2 of 4 stars). 5 submissions from 5 submitters: Benign (5). Last evaluated 2026-02-04.

Conditions:
Tyrosinemia type I (TYRSN1). Also called: Tyrosinemia type 1; Fumarylacetoacetase deficiency; Deficiency of fumarylacetoacetase; FAH DEFICIENCY; HEPATORENAL TYROSINEMIA. Identifiers: Orphanet 882, MedGen C0268490, MONDO:0010161, OMIM 276700. Disease mechanism: loss of function.

Allele frequency attached by ClinVar (database versions not stated): gnomAD exomes 0.00065 and 0.00175; ExAC 0.00198; ESP Exome Variant Server 0.00584; gnomAD 0.00612 and 0.00650; TOPMed 0.00659; 1000 Genomes Project 0.00839; 1000 Genomes Project 30x 0.00968.
gnomAD v4.1: 1,925 of 1,614,094 alleles (0.12%); highest among the groups gnomAD compares: African/African-American, 2%; 19 homozygotes.

Submissions (5):

Labcorp Genetics (formerly Invitae), Labcorp
Classification: Benign for Tyrosinemia type I. Last evaluated: 2026-02-04. Review status: criteria provided, single submitter. Criteria: Invitae Variant Classification Sherloc (09022015). Collection method: clinical testing. Allele origin: germline.

Mayo Clinic Laboratories, Mayo Clinic
Classification: Benign. Last evaluated: 2022-06-13. Review status: criteria provided, single submitter. Criteria: ACMG Guidelines, 2015. Collection method: clinical testing. Allele origin: germline. Observed: 10 variant alleles.
Comment: BA1

Illumina Laboratory Services, Illumina
Classification: Benign for Tyrosinemia type I. Last evaluated: 2018-01-13. Review status: criteria provided, single submitter. Criteria: ICSL Variant Classification Criteria 13 December 2019. Collection method: clinical testing. Allele origin: germline.
Comment: This variant was observed in the ICSL laboratory as part of a predisposition screen in an ostensibly healthy population. It had not been previously curated by ICSL or reported in the Human Gene Mutation Database (HGMD: prior to June 1st, 2018), and was therefore a candidate for classification through an automated scoring system. Utilizing variant allele frequency, disease prevalence and penetrance estimates, and inheritance mode, an automated score was calculated to assess if this variant is too frequent to cause the disease. Based on the score and internal cut-off values, a variant classified as benign is not then subjected to further curation. The score for this variant resulted in a classification of benign for this disease.

GeneDx
Classification: Benign. Last evaluated: 2017-04-25. Review status: criteria provided, single submitter. Criteria: GeneDx Variant Classification (06012015). Collection method: clinical testing. Allele origin: germline. Affected: yes.
Comment: This variant is considered likely benign or benign based on one or more of the following criteria: it is a conservative change, it occurs at a poorly conserved position in the protein, it is predicted to be benign by multiple in silico algorithms, and/or has population frequency not consistent with disease.

Breakthrough Genomics
Classification: Benign. Review status: criteria provided, single submitter. Criteria: ACMG Guidelines, 2015. Collection method: not provided. Allele origin: germline. Inheritance: Autosomal recessive inheritance. Affected: yes.

NM_000137.4(FAH):c.139A>G (p.Lys47Glu)

Gene: FAH (fumarylacetoacetate hydrolase; plus strand). Cytogenetic location: 15q25.1.
Variant type: single nucleotide variant.
Coding change: c.139A>G on transcript NM_000137.4 (MANE Select); coding-DNA position 139, A replaced by G.
Protein change: p.Lys47Glu; replaces lysine 47 with glutamic acid.
Molecular consequence: missense variant.
Genome position (GRCh38, 1-based): chr15:80,158,117, A>G. VCF-style: chr15-80158117-A-G. GRCh37 (hg19) VCF-style: chr15-80450459-A-G.
Other names: p.Lys47Glu; c.139A>G (NM_000137.3); c.139A>G, p.Lys47Glu (NM_001374377.1, NM_001374380.1); short protein forms K47E.
Identifiers: ClinVar variation 317206 (VCV000317206.17), dbSNP rs34749737, ClinGen allele CA7691032.